The following is an entry in ClinVar:

NM_020163.3(SEMA3G):c.1467+3A>C

Gene: SEMA3G (semaphorin 3G; minus strand). Cytogenetic location: 3p21.1.
Variant type: single nucleotide variant.
Coding change: c.1467+3A>C on transcript NM_020163.3 (MANE Select); 3 bases into the intron after coding-DNA position 1467, A replaced by C.
Molecular consequence: intron variant.
Genome position (GRCh38, 1-based): chr3:52,439,677, T>G on the plus strand (A>C on the coding strand, the complement: SEMA3G is on the minus strand). VCF-style: chr3-52439677-T-G. GRCh37 (hg19) VCF-style: chr3-52473693-T-G.
Identifiers: ClinVar variation 3358613 (VCV003358613.1).
Genomic context (GRCh38, chr3:52,439,677, plus strand): 5'-TGTAGCCAGGCTCAGACCCAGAGATGGGGCTTGGAGGGACCCTTCCATCAGCCCCTTGCT[T>G]ACCTTAAACACCTGGAGCTCCTCCAGAACCACTTCCTCAGGTTCAGCTGAGCCCCCTGCC-3'

ClinVar aggregate classification (germline): Likely benign (0 of 4 stars; one submission).

Conditions:
SEMA3G-related disorder. Also called: SEMA3G-related condition.

gnomAD v4.1: 19 of 1,612,958 alleles (0.0012%); highest among the groups gnomAD compares: African/African-American, 0.021%; no homozygotes.

Submission:

PreventionGenetics, part of Exact Sciences
Classification: Likely benign for SEMA3G-related condition. Last evaluated: 2023-01-25. Review status: no assertion criteria provided. Collection method: clinical testing. Allele origin: germline.
Comment: This variant is classified as likely benign based on ACMG/AMP sequence variant interpretation guidelines (Richards et al. 2015 PMID: 25741868, with internal and published modifications).